The following is an entry in ClinVar:

ClinVar aggregate classification (germline): Likely pathogenic (1 of 4 stars; one submission).

Submission:

CeGaT Center for Human Genetics Tuebingen
Classification: Likely pathogenic. Last evaluated: 2024-04-01. Review status: criteria provided, single submitter. Criteria: CeGaT Center For Human Genetics Tuebingen Variant Classification Criteria Version 2. Collection method: clinical testing. Allele origin: germline. Affected: yes. Observed: 2 variant alleles.
Comment: FLT4: PVS1:Strong, PM2

NM_182925.5(FLT4):c.2396del (p.Asn799fs)

Genes: FLT4 (fms related receptor tyrosine kinase 4; minus strand), LOC126807632 (CDK7 strongly-dependent group 2 enhancer GRCh37_chr5:180046831-180048030; plus strand). Cytogenetic location: 5q35.3.
Variant type: Deletion.
Coding change: c.2396del on transcript NM_182925.5 (MANE Select); coding-DNA position 2396, one base deleted (A; older notation c.2396delA).
Protein change: p.Asn799fs; shifts the reading frame from asparagine 799.
Molecular consequence: frameshift variant.
Genome position (GRCh38, 1-based): chr5:180,620,619, T deleted on the plus strand (A on the coding strand, the reverse complement: FLT4 is on the minus strand); the first of 2 consecutive T bases (chr5:180,620,619-180,620,620); deleting either gives the same sequence. VCF-style (leftmost placement, unchanged base first): chr5-180620618-GT-G. GRCh37 (hg19) VCF-style: chr5-180047618-GT-G.
Other names: c.2396del, p.Asn799fs (NM_001354989.2, NM_002020.5); short protein forms N799fs.
Identifiers: ClinVar variation 3234777 (VCV003234777.20), dbSNP rs2480904044, ClinGen allele CA2825001432.
Genomic context (GRCh38, chr5:180,620,618, plus strand): 5'-GGTGGGGAAGGCCTGAGAGAGACTCCATCAGGAGCGGGGAGGGACACTCACCCTCCTCAT[GT>G]TACAGAAGATGAGGAGGAGGAGGACCCAGAAGAAGACAGCGATGACGCCGGTACCGACAA-3'